The following is an entry in ClinVar:

ClinVar aggregate classification (germline): Uncertain significance. Review status: criteria provided, multiple submitters, no conflicts (2 of 4 stars). 2 submissions from 2 submitters: Uncertain significance (2). Last evaluated 2023-09-12.

Conditions:
Primary ciliary dyskinesia. Also called: Ciliary dyskinesia. Identifiers: Orphanet 244, MedGen C0008780, MONDO:0016575, HP:0012265.

Allele frequency attached by ClinVar (database versions not stated): gnomAD 0.00001; gnomAD exomes 0.00001; TOPMed 0.00001.
gnomAD v4.1: 19 of 1,613,988 alleles (0.0012%); highest among the groups gnomAD compares: Admixed American, 0.0017%; no homozygotes.

Submissions (2):

Ambry Genetics
Classification: Uncertain significance for Primary ciliary dyskinesia. Last evaluated: 2023-09-12. Review status: criteria provided, single submitter. Criteria: Ambry Variant Classification Scheme 2023. Collection method: clinical testing. Allele origin: germline.
Comment: The p.I122V variant (also known as c.364A>G), located in coding exon 4 of the DNAAF1 gene, results from an A to G substitution at nucleotide position 364. The isoleucine at codon 122 is replaced by valine, an amino acid with highly similar properties. This amino acid position is well conserved in available vertebrate species. In addition, this alteration is predicted to be tolerated by in silico analysis. Since supporting evidence is limited at this time, the clinical significance of this alteration remains unclear.

Labcorp Genetics (formerly Invitae), Labcorp
Classification: Uncertain significance for Primary ciliary dyskinesia. Last evaluated: 2022-06-26. Review status: criteria provided, single submitter. Criteria: Invitae Variant Classification Sherloc (09022015). Collection method: clinical testing. Allele origin: germline.
Comment: This sequence change replaces isoleucine, which is neutral and non-polar, with valine, which is neutral and non-polar, at codon 122 of the DNAAF1 protein (p.Ile122Val). This variant is present in population databases (no rsID available, gnomAD 0.0009%). This variant has not been reported in the literature in individuals affected with DNAAF1-related conditions. Algorithms developed to predict the effect of missense changes on protein structure and function are either unavailable or do not agree on the potential impact of this missense change (SIFT: "Tolerated"; PolyPhen-2: "Probably Damaging"; Align-GVGD: "Class C0"). In summary, the available evidence is currently insufficient to determine the role of this variant in disease. Therefore, it has been classified as a Variant of Uncertain Significance.

NM_178452.6(DNAAF1):c.364A>G (p.Ile122Val)

Gene: DNAAF1 (dynein axonemal assembly factor 1; plus strand). Cytogenetic location: 16q24.1.
Variant type: single nucleotide variant.
Coding change: c.364A>G on transcript NM_178452.6 (MANE Select); coding-DNA position 364, A replaced by G.
Protein change: p.Ile122Val; replaces isoleucine 122 with valine.
Molecular consequence: missense variant.
Genome position (GRCh38, 1-based): chr16:84,154,588, A>G. VCF-style: chr16-84154588-A-G. GRCh37 (hg19) VCF-style: chr16-84188193-A-G.
Other names: c.364A>G (NM_178452.4); short protein forms I122V.
Identifiers: ClinVar variation 1980980 (VCV001980980.3), dbSNP rs932160879, ClinGen allele CA285503771.
Genomic context (GRCh38, chr16:84,154,588, plus strand): 5'-TCTGCCCTGGGAGTAGGAGCTTAATTCCCACGTGCTTCCTTTTTGTTAGGTTTTGATCGC[A>G]TTGAGAACCTGGAAGAGTACACAGGGCTGCGCTGTCTCTGGCTGCAGAGCAATGGAATAC-3'
Protein context (NP_848547.4, residues 112-132): LYLHFKGFDR[Ile122Val]ENLEEYTGLR